The following is an entry in ClinVar:

NM_000245.4(MET):c.2912A>T (p.Tyr971Phe)

Gene: MET (MET proto-oncogene, receptor tyrosine kinase; plus strand). Cytogenetic location: 7q31.2.
Variant type: single nucleotide variant.
Coding change: c.2912A>T on transcript NM_000245.4 (MANE Select); coding-DNA position 2912, A replaced by T.
Protein change: p.Tyr971Phe; replaces tyrosine 971 with phenylalanine.
Molecular consequence: missense variant.
Genome position (GRCh38, 1-based): chr7:116,771,873, A>T. VCF-style: chr7-116771873-A-T. GRCh37 (hg19) VCF-style: chr7-116411927-A-T.
Other names: c.2966A>T, p.Tyr989Phe (NM_001127500.3); c.1622A>T, p.Tyr541Phe (NM_001324402.2); short protein forms Y541F, Y971F, Y989F.
Identifiers: ClinVar variation 2811086 (VCV002811086.3), dbSNP rs780819058, ClinGen allele CA368986994.
Genomic context (GRCh38, chr7:116,771,873, plus strand): 5'-GTCTTTAACAAGCTCTTTCTTTCTCTCTGTTTTAAGATCTGGGCAGTGAATTAGTTCGCT[A>T]CGATGCAAGAGTACACACTCCTCATTTGGATAGGCTTGTAAGTGCCCGAAGTGTAAGCCC-3'
Protein context (NP_000236.2, residues 961-981): IKDLGSELVR[Tyr971Phe]DARVHTPHLD

ClinVar aggregate classification (germline): Uncertain significance (1 of 4 stars; one submission).

Conditions:
Renal cell carcinoma. Identifiers: Orphanet 217071, MedGen C0007134, MeSH D002292, MONDO:0005086, HP:0005584.

Submission:

Labcorp Genetics (formerly Invitae), Labcorp
Classification: Uncertain significance for Renal cell carcinoma. Last evaluated: 2022-10-31. Review status: criteria provided, single submitter. Criteria: Invitae Variant Classification Sherloc (09022015). Collection method: clinical testing. Allele origin: germline.
Comment: This variant has not been reported in the literature in individuals affected with MET-related conditions. This variant is not present in population databases (gnomAD no frequency). This sequence change replaces tyrosine, which is neutral and polar, with phenylalanine, which is neutral and non-polar, at codon 989 of the MET protein (p.Tyr989Phe). Algorithms developed to predict the effect of missense changes on protein structure and function are either unavailable or do not agree on the potential impact of this missense change (SIFT: "Deleterious"; PolyPhen-2: "Probably Damaging"; Align-GVGD: "Class C0"). In summary, the available evidence is currently insufficient to determine the role of this variant in disease. Therefore, it has been classified as a Variant of Uncertain Significance.